The following is an entry in ClinVar:

NM_001199267.2(DGKZ):c.202C>T (p.Pro68Ser)

Gene: DGKZ (diacylglycerol kinase zeta; plus strand). Cytogenetic location: 11p11.2.
Variant type: single nucleotide variant.
Coding change: c.202C>T on transcript NM_001199267.2 (MANE Select); coding-DNA position 202, C replaced by T.
Protein change: p.Pro68Ser; replaces proline 68 with serine.
Molecular consequence: missense variant.
Genome position (GRCh38, 1-based): chr11:46,367,331, C>T. VCF-style: chr11-46367331-C-T. GRCh37 (hg19) VCF-style: chr11-46388881-C-T.
Other names: c.769C>T, p.Pro257Ser (NM_001105540.2); c.202C>T, p.Pro68Ser (NM_001199266.2, NM_001199268.2, NM_003646.4); c.253C>T, p.Pro85Ser (NM_201532.3); c.217C>T, p.Pro73Ser (NM_201533.3); short protein forms P68S, P85S, P257S, P73S.
Identifiers: ClinVar variation 1500318 (VCV001500318.6), dbSNP rs147007748, ClinGen allele CA5962249.

ClinVar aggregate classification (germline): Uncertain significance (1 of 4 stars; one submission).

Submission:

Labcorp Genetics (formerly Invitae), Labcorp
Classification: Uncertain significance. Last evaluated: 2022-11-22. Review status: criteria provided, single submitter. Criteria: Invitae Variant Classification Sherloc (09022015). Collection method: clinical testing. Allele origin: germline.
Comment: This variant is present in population databases (rs147007748, gnomAD 0.0009%). This sequence change replaces proline, which is neutral and non-polar, with serine, which is neutral and polar, at codon 257 of the DGKZ protein (p.Pro257Ser). This variant has not been reported in the literature in individuals affected with DGKZ-related conditions. In summary, the available evidence is currently insufficient to determine the role of this variant in disease. Therefore, it has been classified as a Variant of Uncertain Significance. Algorithms developed to predict the effect of missense changes on protein structure and function (SIFT, PolyPhen-2, Align-GVGD) all suggest that this variant is likely to be tolerated. ClinVar contains an entry for this variant (Variation ID: 1500318).